The following is an entry in ClinVar:

NM_001257281.2(DIS3L2):c.1717C>T (p.Arg573Ter)

Gene: DIS3L2 (DIS3 like 3'-5' exoribonuclease 2; plus strand). Cytogenetic location: 2q37.1.
Variant type: single nucleotide variant.
Coding change: c.1717C>T on transcript NM_001257281.2; coding-DNA position 1717, C replaced by T.
Protein change: p.Arg573Ter; replaces arginine 573 with a stop codon.
Molecular consequence: nonsense.
Genome position (GRCh38, 1-based): chr2:232,343,480, C>T. VCF-style: chr2-232343480-C-T. GRCh37 (hg19) VCF-style: chr2-233208190-C-T.
Other names: short protein forms R573*.
Identifiers: ClinVar variation 3357019 (VCV003357019.1).

ClinVar aggregate classification (germline): Uncertain significance (0 of 4 stars; one submission).

Conditions:
DIS3L2-related disorder. Also called: DIS3L2-related condition.

gnomAD v4.1: 23 of 1,555,772 alleles (0.0015%); highest among the groups gnomAD compares: Admixed American, 0.018%; no homozygotes.

Submission:

PreventionGenetics, part of Exact Sciences
Classification: Uncertain significance for DIS3L2-related condition. Last evaluated: 2024-05-22. Review status: no assertion criteria provided. Collection method: clinical testing. Allele origin: germline.
Comment: The DIS3L2 c.1717C>T variant is predicted to result in premature protein termination (p.Arg573*). To our knowledge, this variant has not been reported in the literature. This variant is post coding on the main transcript NM_152383:c.*6850C>T and is not expected to impact protein function. This variant is reported in 0.031% of alleles in individuals of Latino descent in gnomAD. Although we suspect that this variant may be benign, at this time, the clinical significance of this variant is uncertain due to the absence of conclusive functional and genetic evidence.